The following is an entry in ClinVar:

ClinVar aggregate classification (germline): Benign/Likely benign. Review status: criteria provided, multiple submitters, no conflicts (2 of 4 stars). 4 submissions from 4 submitters: Benign (2); Likely benign (1). 1 of the submissions does not count toward it. Last evaluated 2025-03-01.

Conditions:
F8-related disorder. Also called: F8-related condition.
Hereditary factor VIII deficiency disease (HEMA). Also called: AUTOSOMAL HEMOPHILIA A; HEMOPHILIA, CLASSIC; Hemophilia A; Hemophilia A, congenital; HEM A; Factor 8 deficiency, congenital. Identifiers: Orphanet 98878, MedGen C0019069, MONDO:0010602, OMIM 306700.

Allele frequency attached by ClinVar (database versions not stated): gnomAD exomes 0.00011 and 0.00037; ExAC 0.00049; 1000 Genomes Project 30x 0.00104; 1000 Genomes Project 0.00106; gnomAD 0.00125 and 0.00134; TOPMed 0.00138; ESP Exome Variant Server 0.00218.
gnomAD v4.1: 266 of 1,210,377 alleles (0.022%); highest among the groups gnomAD compares: African/African-American, 0.42%; 1 homozygote.

Submissions (4):

CeGaT Center for Human Genetics Tuebingen
Classification: Likely benign. Last evaluated: 2025-03-01. Review status: criteria provided, single submitter. Criteria: CeGaT Center For Human Genetics Tuebingen Variant Classification Criteria Version 2. Collection method: clinical testing. Allele origin: germline. Affected: yes. Observed: 1 variant allele.
Comment: F8: BP4, BP7, BS2

Mayo Clinic Laboratories, Mayo Clinic
Classification: Benign. Last evaluated: 2024-12-04. Review status: criteria provided, single submitter. Criteria: ACMG Guidelines, 2015. Collection method: clinical testing. Allele origin: germline. Observed: 1 variant allele.
Comment: BS1, BS2, BP4, BP7

Illumina Laboratory Services, Illumina
Classification: Benign for Hereditary factor VIII deficiency disease. Last evaluated: 2018-01-13. Review status: criteria provided, single submitter. Criteria: ICSL Variant Classification Criteria 13 December 2019. Collection method: clinical testing. Allele origin: germline.
Comment: This variant was observed in the ICSL laboratory as part of a predisposition screen in an ostensibly healthy population. It had not been previously curated by ICSL or reported in the Human Gene Mutation Database (HGMD: prior to June 1st, 2018), and was therefore a candidate for classification through an automated scoring system. Utilizing variant allele frequency, disease prevalence and penetrance estimates, and inheritance mode, an automated score was calculated to assess if this variant is too frequent to cause the disease. Based on the score and internal cut-off values, a variant classified as benign is not then subjected to further curation. The score for this variant resulted in a classification of benign for this disease.

PreventionGenetics, part of Exact Sciences
Classification: Likely benign for F8-related condition. Last evaluated: 2020-01-06. Review status: no assertion criteria provided. Collection method: clinical testing. Allele origin: germline. Not counted in ClinVar's aggregate classification.
Comment: This variant is classified as likely benign based on ACMG/AMP sequence variant interpretation guidelines (Richards et al. 2015 PMID: 25741868, with internal and published modifications).

NM_000132.4(F8):c.4467C>G (p.Val1489=)

Gene: F8 (coagulation factor VIII; minus strand). Cytogenetic location: Xq28.
Variant type: single nucleotide variant.
Coding change: c.4467C>G on transcript NM_000132.4 (MANE Select); coding-DNA position 4467, C replaced by G.
Protein change: p.Val1489=; no amino-acid change (valine 1489 retained).
Molecular consequence: synonymous variant.
Genome position (GRCh38, 1-based): chrX:154,929,323, G>C on the plus strand (C>G on the coding strand, the complement: F8 is on the minus strand). VCF-style: chrX-154929323-G-C. GRCh37 (hg19) VCF-style: chrX-154157598-G-C.
Other names: p.Val1489=.
Identifiers: ClinVar variation 914834 (VCV000914834.14), dbSNP rs35207609, ClinGen allele CA10568103.